The following is an entry in ClinVar:

NM_007294.4(BRCA1):c.927A>G (p.Lys309=)

Gene: BRCA1 (BRCA1 DNA repair associated; minus strand). Cytogenetic location: 17q21.31.
Variant type: single nucleotide variant.
Coding change: c.927A>G on transcript NM_007294.4 (MANE Select); coding-DNA position 927, A replaced by G.
Protein change: p.Lys309=; no amino-acid change (lysine 309 retained).
Molecular consequence: synonymous variant. On other transcripts: intron variant (137).
Genome position (GRCh38, 1-based): chr17:43,094,604, T>C on the plus strand (A>G on the coding strand, the complement: BRCA1 is on the minus strand). VCF-style: chr17-43094604-T-C. GRCh37 (hg19) VCF-style: chr17-41246621-T-C.
Other names: c.714A>G, p.Lys238= (NM_001407571.1, NM_001407853.1, NM_001407894.1 and 9 more transcripts); c.927A>G, p.Lys309= (NM_001407581.1, NM_001407582.1, NM_001407583.1 and 30 more transcripts); c.924A>G, p.Lys308= (NM_001407587.1, NM_001407590.1, NM_001407591.1 and 22 more transcripts); c.918A>G, p.Lys306= (NM_001407646.1, NM_001407647.1); c.804A>G, p.Lys268= (NM_001407648.1, NM_001407664.1, NM_001407665.1 and 19 more transcripts); c.801A>G, p.Lys267= (NM_001407649.1, NM_001407670.1, NM_001407671.1 and 11 more transcripts); c.849A>G, p.Lys283= (NM_001407653.1, NM_001407654.1, NM_001407655.1 and 4 more transcripts); c.846A>G, p.Lys282= (NM_001407659.1, NM_001407660.1, NM_001407661.1 and 1 more transcripts); and 40 more.
Identifiers: ClinVar variation 184110 (VCV000184110.23), dbSNP rs757936216, ClinGen allele CA003970.

ClinVar aggregate classification (germline): Likely benign. Review status: reviewed by expert panel (3 of 4 stars). 7 submissions from 7 submitters: Likely benign (1). 6 of the submissions do not count toward it. Last evaluated 2017-06-29.

Conditions:
Hereditary breast ovarian cancer syndrome. Also called: Hereditary breast and ovarian cancer syndrome; Hereditary breast and ovarian cancer syndrome (HBOC); BRCA1- and BRCA2-Associated Hereditary Breast and Ovarian Cancer; Breast and ovarian cancer; Hereditary breast and ovarian cancer; Hereditary breast and/or ovarian cancer syndrome. Identifiers: Orphanet 145, MedGen C0677776, MeSH D061325, MONDO:0003582. Disease mechanism: loss of function.
Hereditary cancer-predisposing syndrome. Also called: Hereditary Cancer Syndrome; Hereditary neoplastic syndrome; Tumor predisposition; Neoplastic Syndromes, Hereditary. Identifiers: Orphanet 140162, MedGen C0027672, MeSH D009386, MONDO:0015356.
Breast-ovarian cancer, familial, susceptibility to, 1 (BROVCA1). Also called: OVARIAN CANCER, SUSCEPTIBILITY TO; BRCA1 Hereditary Breast and Ovarian Cancer. Identifiers: Orphanet 145, MedGen C2676676, MONDO:0011450, OMIM 604370. Disease mechanism: loss of function.

Allele frequency attached by ClinVar (database versions not stated): gnomAD exomes below 0.00001 and 0.00001; TOPMed below 0.00001; ExAC 0.00001.
gnomAD v4.1: 6 of 1,614,190 alleles (0.00037%); highest among the groups gnomAD compares: Non-Finnish European, 0.00051%; no homozygotes.

Submissions (7):

Evidence-based Network for the Interpretation of Germline Mutant Alleles (ENIGMA)
Classification: Likely benign for Breast-ovarian cancer, familial, susceptibility to, 1. Last evaluated: 2017-06-29. Review status: reviewed by expert panel. Criteria: ENIGMA BRCA1/2 Classification Criteria (2017-06-29). Collection method: curation. Allele origin: germline.
Comment: Synonymous substitution variant, with low bioinformatic likelihood to result in a splicing aberration (Splicing prior probability 0.02).

Labcorp Genetics (formerly Invitae), Labcorp
Classification: Likely benign for Hereditary breast ovarian cancer syndrome. Last evaluated: 2026-01-03. Review status: criteria provided, single submitter. Criteria: Invitae Variant Classification Sherloc (09022015). Collection method: clinical testing. Allele origin: germline. Not counted in ClinVar's aggregate classification.

Women's Health and Genetics/Laboratory Corporation of America, LabCorp
Classification: Likely benign. Last evaluated: 2024-10-19. Review status: criteria provided, single submitter. Criteria: LabCorp Variant Classification Summary - May 2015. Collection method: clinical testing. Allele origin: germline. Not counted in ClinVar's aggregate classification.

All of Us Research Program, National Institutes of Health
Classification: Likely benign for Breast-ovarian cancer, familial, susceptibility to, 1. Last evaluated: 2023-12-01. Review status: criteria provided, single submitter. Criteria: ACMG Guidelines, 2015. Collection method: clinical testing. Allele origin: germline. Inheritance: Autosomal dominant inheritance. Observed: 2 variant alleles, 2 heterozygotes. Not counted in ClinVar's aggregate classification.
Comment: This study involves interpretation of variants in research participants for the purpose of population health screening. Participant phenotype was not available at the time of variant classification. Additional details can be found in publication PMID: 35346344, PMCID: PMC8962531

Ambry Genetics
Classification: Likely benign for Hereditary cancer-predisposing syndrome. Last evaluated: 2018-04-20. Review status: criteria provided, single submitter. Criteria: Ambry Variant Classification Scheme 2023. Collection method: clinical testing. Allele origin: germline. Not counted in ClinVar's aggregate classification.

Color Diagnostics, LLC DBA Color Health
Classification: Likely benign for Hereditary cancer-predisposing syndrome. Last evaluated: 2018-03-15. Review status: criteria provided, single submitter. Criteria: ACMG Guidelines, 2015. Collection method: clinical testing. Allele origin: germline. Not counted in ClinVar's aggregate classification.

GeneDx
Classification: Likely benign. Last evaluated: 2017-11-20. Review status: criteria provided, single submitter. Criteria: GeneDx Variant Classification (06012015). Collection method: clinical testing. Allele origin: germline. Affected: yes. Not counted in ClinVar's aggregate classification.
Comment: This variant is considered likely benign or benign based on one or more of the following criteria: it is a conservative change, it occurs at a poorly conserved position in the protein, it is predicted to be benign by multiple in silico algorithms, and/or has population frequency not consistent with disease.